The following is an entry in ClinVar:

NM_001267550.2(TTN):c.104691G>A (p.Ser34897=)

Genes: TTN (titin; minus strand), TTN-AS1 (TTN antisense RNA 1; plus strand). Cytogenetic location: 2q31.2.
Variant type: single nucleotide variant.
Coding change: c.104691G>A on transcript NM_001267550.2 (MANE Select); coding-DNA position 104691, G replaced by A.
Protein change: p.Ser34897=; no amino-acid change (serine 34897 retained).
Molecular consequence: synonymous variant.
Genome position (GRCh38, 1-based): chr2:178,531,924, C>T on the plus strand (G>A on the coding strand, the complement: TTN is on the minus strand). VCF-style: chr2-178531924-C-T. GRCh37 (hg19) VCF-style: chr2-179396651-C-T.
Other names: c.104691G>A (NM_001267550.1); c.99768G>A, p.Ser33256= (NM_001256850.1); c.77496G>A, p.Ser25832= (NM_003319.4); c.96987G>A, p.Ser32329= (NM_133378.4); c.77871G>A, p.Ser25957= (NM_133432.3); c.78072G>A, p.Ser26024= (NM_133437.4).
Identifiers: ClinVar variation 378832 (VCV000378832.49), dbSNP rs369619711, ClinGen allele CA1985380.
Genomic context (GRCh38, chr2:178,531,924, plus strand): 5'-AGCAGCTTTCATGGACTCATACCTGGAAAAGATATCAAATCTTGCAGACCTCTCAAATCT[C>T]GAGAGTGATCTCTCACTAGACACAGGGCTGGGGGATCGTGGGCGAGTTCTCTCTGGAGTA-3'
Protein context (NP_001254479.2, residues 34887-34907): PSPVSSERSL[Ser34897=]RFERSARFDI

ClinVar aggregate classification (germline): Benign/Likely benign. Review status: criteria provided, multiple submitters, no conflicts (2 of 4 stars). 11 submissions from 8 submitters: Benign (6); Likely benign (5). Last evaluated 2026-06-01.

Conditions:
Autosomal recessive limb-girdle muscular dystrophy type 2J (LGMDR10). Also called: MUSCULAR DYSTROPHY, LIMB-GIRDLE, AUTOSOMAL RECESSIVE 10; Limb-girdle muscular dystrophy, type 2J. Identifiers: Orphanet 140922, MedGen C1837342, MONDO:0012127, OMIM 608807.
Tibial muscular dystrophy (TMD). Also called: UDD MYOPATHY; Udd Distal Myopathy – Tibial Muscular Dystrophy; Tibial muscular dystrophy, tardive. Identifiers: Orphanet 609, MedGen C1838244, MONDO:0010870, OMIM 600334.
Dilated cardiomyopathy 1G (CMD1G). Identifiers: Orphanet 154, MedGen C1858763, MONDO:0011400, OMIM 604145.
Cardiovascular phenotype. Identifiers: MedGen CN230736.
Early-onset myopathy with fatal cardiomyopathy (CMYO5). Also called: CONGENITAL MYOPATHY 5 WITH CARDIOMYOPATHY; Salih Myopathy. Identifiers: Orphanet 289377, MedGen C2673677, MONDO:0012714, OMIM 611705. Disease mechanism: loss of function.
Myopathy, myofibrillar, 9, with early respiratory failure (MFM9). Also called: Hereditary myopathy with early respiratory failure; MYOPATHY, PROXIMAL, WITH EARLY RESPIRATORY MUSCLE INVOLVEMENT; Myopathy, distal, with early respiratory failure, autosomal dominant; EDSTROM MYOPATHY. Identifiers: Orphanet 178464, Orphanet 34521, MedGen C1863599, MONDO:0011362, OMIM 603689.

Allele frequency attached by ClinVar (database versions not stated): gnomAD 0.00002; TOPMed 0.00003; ExAC 0.00007; ESP Exome Variant Server 0.00008; gnomAD exomes 0.00010.
gnomAD v4.1: 63 of 1,612,818 alleles (0.0039%); highest among the groups gnomAD compares: Admixed American, 0.027%; no homozygotes.

Submissions (11):

CeGaT Center for Human Genetics Tuebingen
Classification: Likely benign. Last evaluated: 2026-06-01. Review status: criteria provided, single submitter. Criteria: CeGaT Center For Human Genetics Tuebingen Variant Classification Criteria Version 2. Collection method: clinical testing. Allele origin: germline. Affected: yes. Observed: 3 variant alleles.
Comment: TTN: BP4, BP7

Labcorp Genetics (formerly Invitae), Labcorp
Classification: Likely benign for Dilated cardiomyopathy 1G; Autosomal recessive limb-girdle muscular dystrophy type 2J. Last evaluated: 2026-01-25. Review status: criteria provided, single submitter. Criteria: Invitae Variant Classification Sherloc (09022015). Collection method: clinical testing. Allele origin: germline.

Athena Diagnostics
Classification: Benign. Last evaluated: 2024-07-16. Review status: criteria provided, single submitter. Criteria: Athena Diagnostics Criteria. Collection method: clinical testing. Allele origin: unknown.

Women's Health and Genetics/Laboratory Corporation of America, LabCorp
Classification: Likely benign. Last evaluated: 2023-01-01. Review status: criteria provided, single submitter. Criteria: LabCorp Variant Classification Summary - May 2015. Collection method: clinical testing. Allele origin: germline.

Blueprint Genetics
Classification: Likely benign. Last evaluated: 2022-04-08. Review status: criteria provided, single submitter. Criteria: ACMG Guidelines, 2015. Collection method: clinical testing. Allele origin: germline.

Ambry Genetics
Classification: Likely benign for Cardiovascular phenotype. Last evaluated: 2021-11-17. Review status: criteria provided, single submitter. Criteria: Ambry Variant Classification Scheme 2023. Collection method: clinical testing. Allele origin: germline.

Genome-Nilou Lab
Classification: Benign for Autosomal recessive limb-girdle muscular dystrophy type 2J. Last evaluated: 2021-09-10. Review status: criteria provided, single submitter. Criteria: ACMG Guidelines, 2015. Collection method: clinical testing. Allele origin: germline. Affected: no.

Genome-Nilou Lab
Classification: Benign for Myopathy, myofibrillar, 9, with early respiratory failure. Last evaluated: 2021-09-10. Review status: criteria provided, single submitter. Criteria: ACMG Guidelines, 2015. Collection method: clinical testing. Allele origin: germline. Affected: no.

Genome-Nilou Lab
Classification: Benign for Early-onset myopathy with fatal cardiomyopathy. Last evaluated: 2021-09-10. Review status: criteria provided, single submitter. Criteria: ACMG Guidelines, 2015. Collection method: clinical testing. Allele origin: germline. Affected: no.

Genome-Nilou Lab
Classification: Benign for Tibial muscular dystrophy. Last evaluated: 2021-09-10. Review status: criteria provided, single submitter. Criteria: ACMG Guidelines, 2015. Collection method: clinical testing. Allele origin: germline. Affected: no.

GeneDx
Classification: Benign. Last evaluated: 2017-01-10. Review status: criteria provided, single submitter. Criteria: GeneDx Variant Classification (06012015). Collection method: clinical testing. Allele origin: germline. Affected: yes.
Comment: This variant is considered likely benign or benign based on one or more of the following criteria: it is a conservative change, it occurs at a poorly conserved position in the protein, it is predicted to be benign by multiple in silico algorithms, and/or has population frequency not consistent with disease.